The following is an entry in ClinVar:

ClinVar aggregate classification (germline): Likely benign (0 of 4 stars; one submission).

Conditions:
OTOG-related disorder. Also called: OTOG-related condition.

gnomAD v4.1: 7 of 1,548,952 alleles (0.00045%); highest among the groups gnomAD compares: Middle Eastern, 0.019%; no homozygotes.

Submission:

PreventionGenetics, part of Exact Sciences
Classification: Likely benign for OTOG-related condition. Last evaluated: 2019-04-29. Review status: no assertion criteria provided. Collection method: clinical testing. Allele origin: germline.
Comment: This variant is classified as likely benign based on ACMG/AMP sequence variant interpretation guidelines (Richards et al. 2015 PMID: 25741868, with internal and published modifications).

NM_001292063.2(OTOG):c.541-10C>A

Gene: OTOG (otogelin; plus strand). Cytogenetic location: 11p15.1.
Variant type: single nucleotide variant.
Coding change: c.541-10C>A on transcript NM_001292063.2 (MANE Select); 10 bases into the intron before coding-DNA position 541, C replaced by A.
Molecular consequence: intron variant.
Genome position (GRCh38, 1-based): chr11:17,555,769, C>A. VCF-style: chr11-17555769-C-A. GRCh37 (hg19) VCF-style: chr11-17577316-C-A.
Other names: c.577-10C>A (NM_001277269.2).
Identifiers: ClinVar variation 3345454 (VCV003345454.1).